The following is an entry in ClinVar:

NM_001042492.3(NF1):c.3619A>C (p.Arg1207=)

Gene: NF1 (neurofibromin 1; plus strand). Cytogenetic location: 17q11.2.
Variant type: single nucleotide variant.
Coding change: c.3619A>C on transcript NM_001042492.3 (MANE Select); coding-DNA position 3619, A replaced by C.
Protein change: p.Arg1207=; no amino-acid change (arginine 1207 retained).
Molecular consequence: synonymous variant.
Genome position (GRCh38, 1-based): chr17:31,233,124, A>C. VCF-style: chr17-31233124-A-C. GRCh37 (hg19) VCF-style: chr17-29560142-A-C.
Other names: c.3619A>C, p.Arg1207= (NM_000267.4).
Identifiers: ClinVar variation 457659 (VCV000457659.15), dbSNP rs202208560, ClinGen allele CA8486197.

ClinVar aggregate classification (germline): Conflicting classifications of pathogenicity. Review status: criteria provided, conflicting classifications (1 of 4 stars). 4 submissions from 4 submitters: Uncertain significance (1); Benign (1); Likely benign (2). Last evaluated 2026-09-28.

Conditions:
Hereditary cancer-predisposing syndrome. Also called: Hereditary Cancer Syndrome; Hereditary neoplastic syndrome; Neoplastic Syndromes, Hereditary; Tumor predisposition. Identifiers: Orphanet 140162, MedGen C0027672, MeSH D009386, MONDO:0015356.
Neurofibromatosis, type 1 (NF1). Also called: VON RECKLINGHAUSEN DISEASE; NEUROFIBROMATOSIS, TYPE I, SOMATIC; Neurofibromatosis, type I; Peripheral type neurofibromatosis. Identifiers: Orphanet 636, MedGen C0027831, MONDO:0018975, OMIM 162200. Disease mechanism: loss of function.
Cardiovascular phenotype. Identifiers: MedGen CN230736.

Allele frequency attached by ClinVar (database versions not stated): gnomAD 0.00001; TOPMed below 0.00001; ExAC 0.00001; 1000 Genomes Project 0.00020; gnomAD exomes 0.00002; 1000 Genomes Project 30x 0.00031.

Submissions (4):

Myriad Genetics, Inc.
Classification: Benign for Neurofibromatosis, type 1. Last evaluated: 2026-09-28. Review status: criteria provided, single submitter. Criteria: Myriad Autosomal Dominant, Autosomal Recessive and X-Linked Classification Criteria (2023). Collection method: clinical testing. Allele origin: unknown.
Comment: This variant is considered benign. This variant is a silent/synonymous amino acid change and it is not expected to impact splicing.

Labcorp Genetics (formerly Invitae), Labcorp
Classification: Likely benign for Neurofibromatosis, type 1. Last evaluated: 2026-01-05. Review status: criteria provided, single submitter. Criteria: Invitae Variant Classification Sherloc (09022015). Collection method: clinical testing. Allele origin: germline.

Sema4
Classification: Uncertain significance for Hereditary cancer-predisposing syndrome. Last evaluated: 2021-09-16. Review status: criteria provided, single submitter. Criteria: Sema4 Curation Guidelines. Collection method: curation. Allele origin: germline.
Comment: The NF1 c.3619A>C (p.R1207=) variant has not been reported in the literature to our knowledge. It was observed in 4/18390 chromosomes of the East Asian subpopulation in the large and broad cohorts of the Genome Aggregation Database (PMID: 32461654). The variant has been reported in ClinVar (Variation ID 457659). The nucleotide is highly conserved and in silico tools suggest that the variant does not impact splicing, though these predictions have not been confirmed by functional studies. The evidence is insufficient to meet ACMG/AMP criteria for classifying the variant as benign or pathogenic. Thus, the clinical significance of this variant is currently uncertain.

Ambry Genetics
Classification: Likely benign for Cardiovascular phenotype; Hereditary cancer-predisposing syndrome. Last evaluated: 2021-08-24. Review status: criteria provided, single submitter. Criteria: Ambry Variant Classification Scheme 2023. Collection method: clinical testing. Allele origin: germline.